The following is an entry in ClinVar:

NM_001377540.1(SLMAP):c.1318G>A (p.Gly440Arg)

Gene: SLMAP (sarcolemma associated protein; plus strand). Cytogenetic location: 3p14.3.
Variant type: single nucleotide variant.
Coding change: c.1318G>A on transcript NM_001377540.1 (MANE Select); coding-DNA position 1318, G replaced by A.
Protein change: p.Gly440Arg; replaces glycine 440 with arginine.
Molecular consequence: missense variant. On other transcripts: 5 prime UTR variant (7), non-coding transcript variant (1).
Genome position (GRCh38, 1-based): chr3:57,890,058, G>A. VCF-style: chr3-57890058-G-A. GRCh37 (hg19) VCF-style: chr3-57875785-G-A.
Other names: c.-132G>A (NM_001377927.1, NM_001377928.1, NM_001304422.3 and 4 more transcripts); c.1216G>A, p.Gly406Arg (NM_007159.5, NM_001377549.1, NM_001377923.1); c.1267G>A, p.Gly423Arg (NM_001304420.3, NM_001377541.1, NM_001377542.1 and 2 more transcripts); c.1153G>A, p.Gly385Arg (NM_001304421.2, NM_001377557.1, NM_001377559.1 and 1 more transcripts); c.1318G>A, p.Gly440Arg (NM_001377538.1, NM_001377539.1, NM_001377555.1); c.1255G>A, p.Gly419Arg (NM_001377545.1, NM_001377922.1); c.1204G>A, p.Gly402Arg (NM_001377551.1, NM_001377552.1, NM_001377924.1); short protein forms G406R, G440R, G423R, G385R, G402R, G419R.
Identifiers: ClinVar variation 4586811 (VCV004586811.1).

ClinVar aggregate classification (germline): Uncertain significance (1 of 4 stars; one submission).

gnomAD v4.1: 5 of 1,613,484 alleles (0.00031%); highest among the groups gnomAD compares: Non-Finnish European, 0.00034%; no homozygotes.

Submission:

Ambry Genetics
Classification: Uncertain significance. Last evaluated: 2025-12-11. Review status: criteria provided, single submitter. Criteria: Ambry Variant Classification Scheme 2023. Collection method: clinical testing. Allele origin: germline.
Comment: The p.G406R variant (also known as c.1216G>A), located in coding exon 12 of the SLMAP gene, results from a G to A substitution at nucleotide position 1216. The glycine at codon 406 is replaced by arginine, an amino acid with dissimilar properties. This amino acid position is conserved. In addition, the in silico prediction for this alteration is inconclusive. Based on the available evidence, the clinical significance of this variant remains unclear.